The following is an entry in ClinVar:

NM_014738.6(TMEM94):c.3605A>G (p.Asn1202Ser)

Gene: TMEM94 (transmembrane protein 94; plus strand). Cytogenetic location: 17q25.1.
Variant type: single nucleotide variant.
Coding change: c.3605A>G on transcript NM_014738.6 (MANE Select); coding-DNA position 3605, A replaced by G.
Protein change: p.Asn1202Ser; replaces asparagine 1202 with serine.
Molecular consequence: missense variant.
Genome position (GRCh38, 1-based): chr17:75,498,290, A>G. VCF-style: chr17-75498290-A-G. GRCh37 (hg19) VCF-style: chr17-73494371-A-G.
Other names: c.3635A>G, p.Asn1212Ser (NM_001321148.2); c.3617A>G, p.Asn1206Ser (NM_001321149.2); c.3557A>G, p.Asn1186Ser (NM_001351202.2); c.3632A>G, p.Asn1211Ser (NM_001351203.2); c.3605A>G (NM_014738.5); short protein forms N1211S, N1202S, N1186S, N1212S, N1206S.
Identifiers: ClinVar variation 2353093 (VCV002353093.4), dbSNP rs186821355, ClinGen allele CA8762558.
Genomic context (GRCh38, chr17:75,498,290, plus strand): 5'-CCTGCCTCATCTGCTTTGGCTTCACACTGCAGAGCTTCTGTGACAGCTCCCGGGACCGCA[A>G]CCTCACCAACTGCTCCTCCGTCATGCTGCCCAGGTGGGTCCCAGCCCCAGAGATCCACCC-3'
Protein context (NP_055553.3, residues 1192-1212): QSFCDSSRDR[Asn1202Ser]LTNCSSVMLP

ClinVar aggregate classification (germline): Uncertain significance. Review status: criteria provided, multiple submitters, no conflicts (2 of 4 stars). 2 submissions from 2 submitters: Uncertain significance (2). Last evaluated 2025-01-03.

Conditions:
TMEM94-related disorder. Also called: TMEM94-related condition.
Inborn genetic diseases. Identifiers: MedGen C0950123, MeSH D030342.

Allele frequency attached by ClinVar (database versions not stated): gnomAD 0.00001; TOPMed 0.00003; ExAC 0.00004; 1000 Genomes Project 0.00020; 1000 Genomes Project 30x 0.00031.
gnomAD v4.1: 27 of 1,613,164 alleles (0.0017%); highest among the groups gnomAD compares: Admixed American, 0.022%; no homozygotes.

Submissions (2):

PreventionGenetics, part of Exact Sciences
Classification: Uncertain significance for TMEM94-related condition. Last evaluated: 2025-01-03. Review status: criteria provided, single submitter. Criteria: ACMG Guidelines, 2015. Collection method: clinical testing. Allele origin: germline.
Comment: The TMEM94 c.3605A>G variant is predicted to result in the amino acid substitution p.Asn1202Ser. To our knowledge, this variant has not been reported in the literature. This variant is reported in 0.032% of alleles in individuals of Latino descent in gnomAD. At this time, the clinical significance of this variant is uncertain due to the absence of conclusive functional and genetic evidence.

Ambry Genetics
Classification: Uncertain significance for Inborn genetic diseases. Last evaluated: 2021-07-14. Review status: criteria provided, single submitter. Criteria: Ambry Variant Classification Scheme 2023. Collection method: clinical testing. Allele origin: germline.